The following is an entry in ClinVar:

ClinVar aggregate classification (germline): Pathogenic (1 of 4 stars; one submission).

Conditions:
Ataxia-telangiectasia syndrome (AT). Also called: LOUIS-BAR SYNDROME; Cerebello-oculocutaneous telangiectasia; Immunodeficiency with ataxia telangiectasia; Ataxia telangiectasia (A-T); Ataxia-telangiectasia, complementation group D; AT, COMPLEMENTATION GROUP C. Identifiers: Orphanet 100, MedGen C0004135, MONDO:0008840, OMIM 208900.

Submission:

Labcorp Genetics (formerly Invitae), Labcorp
Classification: Pathogenic for Ataxia-telangiectasia syndrome. Last evaluated: 2024-05-20. Review status: criteria provided, single submitter. Criteria: Invitae Variant Classification Sherloc (09022015). Collection method: clinical testing. Allele origin: germline.
Comment: This sequence change creates a premature translational stop signal (p.Gly2536*) in the ATM gene. It is expected to result in an absent or disrupted protein product. Loss-of-function variants in ATM are known to be pathogenic (PMID: 23807571, 25614872). This variant is not present in population databases (gnomAD no frequency). This premature translational stop signal has been observed in individual(s) with ataxia telangiectasia (PMID: 25614872). ClinVar contains an entry for this variant (Variation ID: 1458887). For these reasons, this variant has been classified as Pathogenic.

Literature cited by the submitters: PubMed 23807571; PubMed 25614872.

NM_000051.4(ATM):c.7606G>T (p.Gly2536Ter)

Genes: ATM (ATM serine/threonine kinase; plus strand), C11orf65 (chromosome 11 open reading frame 65; minus strand). Cytogenetic location: 11q22.3.
Variant type: single nucleotide variant.
Coding change: c.7606G>T on transcript NM_000051.4 (MANE Select); coding-DNA position 7606, G replaced by T.
Protein change: p.Gly2536Ter; replaces glycine 2536 with a stop codon.
Molecular consequence: nonsense. On other transcripts: non-coding transcript variant (1), intron variant (2).
Genome position (GRCh38, 1-based): chr11:108,331,534, G>T. VCF-style: chr11-108331534-G-T. GRCh37 (hg19) VCF-style: chr11-108202261-G-T.
Other names: c.7606G>T, p.Gly2536Ter (NM_001351834.2); c.641-22463C>A (NM_001330368.2); c.*38+3686C>A (NM_001351110.2); short protein forms G2536*.
Identifiers: ClinVar variation 1458887 (VCV001458887.8), dbSNP rs2136497891, ClinGen allele CA382560823.